The following is an entry in ClinVar:

NC_000015.9:g.(?_65916419)_(65946417_?)dup

Gene: SLC24A1 (solute carrier family 24 member 1; plus strand). Cytogenetic location: 15q22.31.
Variant type: Duplication.
Identifiers: ClinVar variation 1024593 (VCV001024593.5).

ClinVar aggregate classification (germline): Uncertain significance (1 of 4 stars; one submission).

Submission:

Labcorp Genetics (formerly Invitae), Labcorp
Classification: Uncertain significance. Last evaluated: 2020-08-05. Review status: criteria provided, single submitter. Criteria: Invitae Variant Classification Sherloc (09022015). Collection method: clinical testing. Allele origin: germline.
Comment: This variant results in a copy number gain of the genomic region encompassing the full coding sequence of the SLC24A1 gene. The boundaries of this event are unknown as they extend beyond the assayed region for this gene and therefore may encompass additional genes. As the precise location of this event is unknown, it may be in tandem or it may be located elsewhere in the genome. In summary, the available evidence is currently insufficient to determine the role of this variant in disease. Therefore, it has been classified as a Variant of Uncertain Significance. This variant has not been reported in the literature in individuals with SLC24A1-related conditions.